The following is an entry in ClinVar:

NC_000011.10:g.47338507C>T

Gene: MYBPC3 (myosin binding protein C3; minus strand). Cytogenetic location: 11p11.2.
Variant type: single nucleotide variant.
Genome position: GRCh38 VCF-style: chr11-47338507-C-T. GRCh37 (hg19) VCF-style: chr11-47360058-C-T.
Other names: c.2308+13G>A (LRG_386t1, NM_000256.3).
Identifiers: ClinVar variation 392147 (VCV000392147.9), dbSNP rs780086088, ClinGen allele CA049138.
Genomic context (GRCh38, chr11:47,338,507, plus strand): 5'-AATGAGCGAACGGATGGGCCCTCCTTGGGGCTGCCCCTCTGTGTTCTCCAGCTTGGACCC[C>T]GGCCGGCCTCACCGATGACCTTGACTGTGAGGTTGACCTGGTCCTCGCCCACAGGGTTCT-3'

ClinVar aggregate classification (germline): Likely benign. Review status: criteria provided, multiple submitters, no conflicts (2 of 4 stars). 3 submissions from 3 submitters: Likely benign (3). Last evaluated 2026-01-25.

Conditions:
Hypertrophic cardiomyopathy. Also called: HYPERTROPHIC MYOCARDIOPATHY. Identifiers: Orphanet 217569, MedGen C0007194, MeSH D002312, MONDO:0005045, HP:0001639.

Allele frequency attached by ClinVar (database versions not stated): gnomAD exomes 0.00001 and 0.00003; ExAC 0.00003; gnomAD 0.00006; TOPMed 0.00007.
gnomAD v4.1: 22 of 1,613,782 alleles (0.0014%); highest among the groups gnomAD compares: African/African-American, 0.019%; no homozygotes.

Submissions (3):

Labcorp Genetics (formerly Invitae), Labcorp
Classification: Likely benign for Hypertrophic cardiomyopathy. Last evaluated: 2026-01-25. Review status: criteria provided, single submitter. Criteria: Invitae Variant Classification Sherloc (09022015). Collection method: clinical testing. Allele origin: germline.

Blueprint Genetics
Classification: Likely benign. Last evaluated: 2023-11-06. Review status: criteria provided, single submitter. Criteria: ACMG Guidelines, 2015. Collection method: clinical testing. Allele origin: germline.

GeneDx
Classification: Likely benign. Last evaluated: 2016-12-27. Review status: criteria provided, single submitter. Criteria: GeneDx Variant Classification (06012015). Collection method: clinical testing. Allele origin: germline. Affected: yes.
Comment: This variant is considered likely benign or benign based on one or more of the following criteria: it is a conservative change, it occurs at a poorly conserved position in the protein, it is predicted to be benign by multiple in silico algorithms, and/or has population frequency not consistent with disease.